The following is an entry in ClinVar:

ClinVar aggregate classification (germline): Uncertain significance (1 of 4 stars; one submission).

Conditions:
Hereditary cancer-predisposing syndrome. Also called: Neoplastic Syndromes, Hereditary; Hereditary Cancer Syndrome; Tumor predisposition; Hereditary neoplastic syndrome. Identifiers: Orphanet 140162, MedGen C0027672, MeSH D009386, MONDO:0015356.

Submission:

Ambry Genetics
Classification: Uncertain significance for Hereditary cancer-predisposing syndrome. Last evaluated: 2024-12-29. Review status: criteria provided, single submitter. Criteria: Ambry Variant Classification Scheme 2023. Collection method: clinical testing. Allele origin: germline.
Comment: The p.A110G variant (also known as c.329C>G), located in coding exon 2 of the TMEM127 gene, results from a C to G substitution at nucleotide position 329. The alanine at codon 110 is replaced by glycine, an amino acid with similar properties. This amino acid position is conserved. In addition, the in silico prediction for this alteration is inconclusive. Based on the available evidence, the clinical significance of this variant remains unclear.

NM_017849.4(TMEM127):c.329C>G (p.Ala110Gly)

Gene: TMEM127 (transmembrane protein 127; minus strand). Cytogenetic location: 2q11.2.
Variant type: single nucleotide variant.
Coding change: c.329C>G on transcript NM_017849.4 (MANE Select); coding-DNA position 329, C replaced by G.
Protein change: p.Ala110Gly; replaces alanine 110 with glycine.
Molecular consequence: missense variant.
Genome position (GRCh38, 1-based): chr2:96,254,913, G>C on the plus strand (C>G on the coding strand, the complement: TMEM127 is on the minus strand). VCF-style: chr2-96254913-G-C. GRCh37 (hg19) VCF-style: chr2-96920651-G-C.
Other names: c.329C>G, p.Ala110Gly (NM_001193304.3); c.77C>G, p.Ala26Gly (NM_001407282.1, NM_001407283.1); short protein forms A110G, A26G.
Identifiers: ClinVar variation 3807741 (VCV003807741.1).